The following is an entry in ClinVar:

NM_003073.5(SMARCB1):c.147dup (p.Leu50fs)

Gene: SMARCB1 (SWI/SNF related BAF chromatin remodeling complex subunit B1; plus strand). Cytogenetic location: 22q11.23.
Variant type: Duplication.
Coding change: c.147dup on transcript NM_003073.5 (MANE Select); coding-DNA position 147, one base duplicated (A; older notation c.147dupA).
Protein change: p.Leu50fs; shifts the reading frame from leucine 50.
Molecular consequence: frameshift variant.
Genome position (GRCh38, 1-based): chr22:23,791,809, A duplicated. VCF-style (leftmost placement, unchanged base first): chr22-23791808-C-CA. GRCh37 (hg19) VCF-style: chr22-24133995-C-CA.
Other names: c.147dup, p.Leu50fs (NM_001007468.3, NM_001317946.2, NM_001362877.2); short protein forms L50fs.
Identifiers: ClinVar variation 2134364 (VCV002134364.4), dbSNP rs2517660427, ClinGen allele CA2580099270.

ClinVar aggregate classification (germline): Pathogenic (1 of 4 stars; one submission).

Submission:

Labcorp Genetics (formerly Invitae), Labcorp
Classification: Pathogenic. Last evaluated: 2022-05-05. Review status: criteria provided, single submitter. Criteria: Invitae Variant Classification Sherloc (09022015). Collection method: clinical testing. Allele origin: germline.
Comment: For these reasons, this variant has been classified as Pathogenic. This variant has not been reported in the literature in individuals affected with SMARCB1-related conditions. This variant is not present in population databases (gnomAD no frequency). This sequence change creates a premature translational stop signal (p.Leu50Thrfs*21) in the SMARCB1 gene. It is expected to result in an absent or disrupted protein product. Loss-of-function variants in SMARCB1 are known to be pathogenic (PMID: 10521299, 21208904).

Literature cited by the submitters: PubMed 10521299; PubMed 21208904.